The following is an entry in ClinVar:

ClinVar aggregate classification (germline): Uncertain significance (1 of 4 stars; one submission).

Conditions:
Inborn genetic diseases. Identifiers: MedGen C0950123, MeSH D030342.

Submission:

Ambry Genetics
Classification: Uncertain significance for Inborn genetic diseases. Last evaluated: 2024-04-27. Review status: criteria provided, single submitter. Criteria: Ambry Variant Classification Scheme 2023. Collection method: clinical testing. Allele origin: germline.
Comment: The p.S860R variant (also known as c.2580C>G), located in coding exon 20 of the LRRK2 gene, results from a C to G substitution at nucleotide position 2580. The serine at codon 860 is replaced by arginine, an amino acid with dissimilar properties. This amino acid position is conserved. In addition, the in silico prediction for this alteration is inconclusive. Based on the available evidence, the clinical significance of this variant remains unclear.

NM_198578.4(LRRK2):c.2580C>G (p.Ser860Arg)

Gene: LRRK2 (leucine rich repeat kinase 2; plus strand). Cytogenetic location: 12q12.
Variant type: single nucleotide variant.
Coding change: c.2580C>G on transcript NM_198578.4 (MANE Select); coding-DNA position 2580, C replaced by G.
Protein change: p.Ser860Arg; replaces serine 860 with arginine.
Molecular consequence: missense variant.
Genome position (GRCh38, 1-based): chr12:40,287,430, C>G. VCF-style: chr12-40287430-C-G. GRCh37 (hg19) VCF-style: chr12-40681232-C-G.
Other names: short protein forms S860R.
Identifiers: ClinVar variation 3291978 (VCV003291978.1).
Genomic context (GRCh38, chr12:40,287,430, plus strand): 5'-AAGAATGGTGATCAGATATCAGATGAAAAGTGCTGTGGAAGAAGGAACAGCCTCAGGCAG[C>G]GATGGAAATTTTTCTGAAGATGTGCTGTCTAAATTTGATGAATGGACCTTTATTCCTGAC-3'
Protein context (NP_940980.4, residues 850-870): SAVEEGTASG[Ser860Arg]DGNFSEDVLS